The following is an entry in ClinVar:

ClinVar aggregate classification (germline): Uncertain significance (1 of 4 stars; one submission).

gnomAD v4.1: 1 of 1,614,048 alleles (0.000062%); highest among the groups gnomAD compares: African/African-American, 0.0013%; no homozygotes.

Submission:

GeneDx
Classification: Uncertain significance. Last evaluated: 2023-02-16. Review status: criteria provided, single submitter. Criteria: GeneDx Variant Classification Process June 2021. Collection method: clinical testing. Allele origin: germline. Affected: yes.
Comment: Not observed at significant frequency in large population cohorts (gnomAD); In silico analysis supports that this missense variant does not alter protein structure/function; Has not been previously published as pathogenic or benign to our knowledge; This variant is associated with the following publications: (PMID: 17531815, 21120944)

NM_000179.3(MSH6):c.2725T>G (p.Leu909Val)

Gene: MSH6 (mutS homolog 6; plus strand). Cytogenetic location: 2p16.3.
Variant type: single nucleotide variant.
Coding change: c.2725T>G on transcript NM_000179.3 (MANE Select); coding-DNA position 2725, T replaced by G.
Protein change: p.Leu909Val; replaces leucine 909 with valine.
Molecular consequence: missense variant. On other transcripts: non-coding transcript variant (5), intron variant (2).
Genome position (GRCh38, 1-based): chr2:47,800,708, T>G. VCF-style: chr2-47800708-T-G. GRCh37 (hg19) VCF-style: chr2-48027847-T-G.
Other names: c.2335T>G, p.Leu779Val (NM_001281492.2); c.1819T>G, p.Leu607Val (NM_001281493.2, NM_001281494.2, NM_001406811.1 and 6 more transcripts); c.2821T>G, p.Leu941Val (NM_001406795.1, NM_001406802.1); c.2725T>G, p.Leu909Val (NM_001406796.1, NM_001406798.1, NM_001406800.1 and 2 more transcripts); c.2428T>G, p.Leu810Val (NM_001406797.1, NM_001406801.1, NM_001406805.1 and 10 more transcripts); c.2200T>G, p.Leu734Val (NM_001406799.1, NM_001406806.1, NM_001406807.1); c.2647T>G, p.Leu883Val (NM_001406804.1); c.2731T>G, p.Leu911Val (NM_001406813.1); and 4 more; short protein forms L224V, L607V, L734V, L779V, L810V, L853V, L883V, L909V.
Identifiers: ClinVar variation 2576882 (VCV002576882.1), dbSNP rs876659785, ClinGen allele CA346755366.